The following is an entry in ClinVar:

NM_000277.3(PAH):c.865G>A (p.Gly289Arg)

Genes: PAH (phenylalanine hydroxylase; minus strand), LOC126861615 (CDK7 strongly-dependent group 2 enhancer GRCh37_chr12:103244689-103245888; plus strand). Cytogenetic location: 12q23.2.
Variant type: single nucleotide variant.
Coding change: c.865G>A on transcript NM_000277.3 (MANE Select); coding-DNA position 865, G replaced by A.
Protein change: p.Gly289Arg; replaces glycine 289 with arginine.
Molecular consequence: missense variant.
Genome position (GRCh38, 1-based): chr12:102,851,734, C>T on the plus strand (G>A on the coding strand, the complement: PAH is on the minus strand). VCF-style: chr12-102851734-C-T. GRCh37 (hg19) VCF-style: chr12-103245512-C-T.
Other names: c.865G>A, p.Gly289Arg (NM_001354304.2); short protein forms G289R.
Identifiers: ClinVar variation 458082 (VCV000458082.10), dbSNP rs199475693, ClinGen allele CA386294434.

ClinVar aggregate classification (germline): Pathogenic. Review status: reviewed by expert panel (3 of 4 stars). 4 submissions from 4 submitters: Pathogenic (1). 3 of the submissions do not count toward it. Last evaluated 2020-10-16.

Conditions:
Phenylketonuria (PKU). Also called: Phenylketonuria (PKU); FOLLING DISEASE; OLIGOPHRENIA PHENYLPYRUVICA; Phenylketonurias. Identifiers: Orphanet 716, MedGen C0031485, MONDO:0009861, OMIM 261600. Disease mechanism: loss of function.

Allele frequency attached by ClinVar (database versions not stated): gnomAD 0.00001; TOPMed 0.00001.
gnomAD v4.1: 1 of 1,613,916 alleles (0.000062%); highest among the groups gnomAD compares: Admixed American, 0.0017%; no homozygotes.

Submissions (4):

ClinGen PAH Variant Curation Expert Panel
Classification: Pathogenic for Phenylketonuria. Last evaluated: 2020-10-16. Review status: reviewed by expert panel. Criteria: ClinGen PAH ACMG Specifications v1. Collection method: curation. Allele origin: germline. Inheritance: Autosomal recessive inheritance.
Comment: This c.865G>A (p.Gly289Arg) variant in PAH was reported in 2 patients with PAH deficiency (PMID: 27121329) detected with the pathogenic variant p.Gly272* and the likely pathogenic variant p.Arg155Cys. DHPR activity, biopterin and/or pteridine analysis was performed to rule out other causes of hyperphenylalaninemia. This variant has the same amino acid change as a previously established pathogenic variant in ClinVar (Variation ID: 102882). This variant is absent in population databases. Computational evidence for this missense variant supports a deleterious effect. In summary, this variant meets criteria to be classified as pathogenic for PAH. PAH-specific ACMG/AMP criteria applied: PS1, PM2, PP4_moderate, PM3, PP3.

Women's Health and Genetics/Laboratory Corporation of America, LabCorp
Classification: Pathogenic for Phenylketonuria. Last evaluated: 2024-10-25. Review status: criteria provided, single submitter. Criteria: LabCorp Variant Classification Summary - May 2015. Collection method: clinical testing. Allele origin: germline. Not counted in ClinVar's aggregate classification.
Comment: Variant summary: PAH c.865G>A (p.Gly289Arg) results in a non-conservative amino acid change located in the aromatic amino acid hydroxylase, C-terminal domain (IPR019774) of the encoded protein sequence. Five of five in-silico tools predict a damaging effect of the variant on protein function. The variant was absent in 250974 control chromosomes (gnomAD). c.865G>A has been reported in the literature in individuals affected with Phenylalanine Hydroxylase Deficiency (Phenylketonuria) (examples: Aldamiz-Echevarria_JHG_2016, Yan_MBD_2019, internal case). These data indicate that the variant is likely to be associated with disease. To our knowledge, no experimental evidence demonstrating an impact on protein function has been reported. Another nucleotide change (c.865G>C) resulting in the same amino acid effect has been classified as pathogenic in ClinVar by ClinGen PAH variant curation expert panel (Variation ID: 102882). The following publications have been ascertained in the context of this evaluation (PMID: 27121329, 30747360). ClinVar contains an entry for this variant (Variation ID: 458082). Based on the evidence outlined above, the variant was classified as pathogenic.

Baylor Genetics
Classification: Pathogenic for Phenylketonuria. Last evaluated: 2023-09-25. Review status: criteria provided, single submitter. Criteria: ACMG Guidelines, 2015. Collection method: clinical testing. Allele origin: unknown. Not counted in ClinVar's aggregate classification.

Labcorp Genetics (formerly Invitae), Labcorp
Classification: Pathogenic for Phenylketonuria. Last evaluated: 2023-03-01. Review status: criteria provided, single submitter. Criteria: Invitae Variant Classification Sherloc (09022015). Collection method: clinical testing. Allele origin: germline. Not counted in ClinVar's aggregate classification.
Comment: This missense change has been observed in individual(s) with phenylketonuria (PKU) (PMID: 22333022, 23514811; Invitae). For these reasons, this variant has been classified as Pathogenic. Advanced modeling of protein sequence and biophysical properties (such as structural, functional, and spatial information, amino acid conservation, physicochemical variation, residue mobility, and thermodynamic stability) performed at Invitae indicates that this missense variant is expected to disrupt PAH protein function. ClinVar contains an entry for this variant (Variation ID: 458082). This variant is not present in population databases (gnomAD no frequency). This sequence change replaces glycine, which is neutral and non-polar, with arginine, which is basic and polar, at codon 289 of the PAH protein (p.Gly289Arg).

Literature cited by the submitters: PubMed 27121329 (cited by ClinGen PAH Variant Curation Expert Panel and Women's Health and Genetics/Laboratory Corporation of America, LabCorp); PubMed 30747360 (cited by Women's Health and Genetics/Laboratory Corporation of America, LabCorp); PubMed 22333022 (cited by Labcorp Genetics (formerly Invitae), Labcorp); PubMed 23514811 (cited by Labcorp Genetics (formerly Invitae), Labcorp).